The following is an entry in ClinVar:

ClinVar aggregate classification (germline): Conflicting classifications of pathogenicity. Review status: criteria provided, conflicting classifications (1 of 4 stars). 2 submissions from 2 submitters: Likely pathogenic (1); Uncertain significance (1). Last evaluated 2024-10-23.

Conditions:
Focal segmental glomerulosclerosis 2 (FSGS2). Identifiers: Orphanet 656, MedGen C1858915, MONDO:0011390, OMIM 603965.

Submissions (2):

GeneDx
Classification: Uncertain significance. Last evaluated: 2024-10-23. Review status: criteria provided, single submitter. Criteria: GeneDx Variant Classification Process June 2021. Collection method: clinical testing. Allele origin: germline. Affected: yes.
Comment: Frameshift variant predicted to result in protein truncation or nonsense mediated decay in a gene for which loss-of-function is not an established mechanism of disease; Not observed at significant frequency in large population cohorts (gnomAD); Has not been previously published as pathogenic or benign to our knowledge

Fulgent Genetics
Classification: Likely pathogenic for Focal segmental glomerulosclerosis 2. Last evaluated: 2024-01-10. Review status: criteria provided, single submitter. Criteria: ACMG Guidelines, 2015. Collection method: clinical testing. Allele origin: germline.

NM_004621.6(TRPC6):c.131_146del (p.Pro44fs)

Gene: TRPC6 (transient receptor potential cation channel subfamily C member 6; minus strand). Cytogenetic location: 11q22.1.
Variant type: Deletion.
Coding change: c.131_146del on transcript NM_004621.6 (MANE Select); coding-DNA positions 131 to 146, 16 bases deleted (CGCAAGCCCCGCTGCC).
Protein change: p.Pro44fs; shifts the reading frame from proline 44.
Molecular consequence: frameshift variant.
Genome position (GRCh38, 1-based): chr11:101,583,358-101,583,373, GGCAGCGGGGCTTGCG deleted on the plus strand (CGCAAGCCCCGCTGCC on the coding strand, the reverse complement: TRPC6 is on the minus strand); deleting any 16 consecutive bases within chr11:101,583,358-101,583,379 gives the same sequence; the c. name uses the placement nearest the transcript's 3' end. VCF-style (leftmost placement, unchanged base first): chr11-101583357-AGGCAGCGGGGCTTGCG-A. GRCh37 (hg19) VCF-style: chr11-101454088-AGGCAGCGGGGCTTGCG-A.
Other names: c.131_146del (NM_004621.5); short protein forms P44fs.
Identifiers: ClinVar variation 3598837 (VCV003598837.2).